The following is an entry in ClinVar:

ClinVar aggregate classification (germline): Uncertain significance (1 of 4 stars; one submission).

Conditions:
Mucopolysaccharidosis, MPS-III-D (MPS3D). Also called: N-ACETYLGLUCOSAMINE-6-SULFATASE DEFICIENCY; SANFILIPPO SYNDROME D; MPS III D; Mucopoly-saccharidosis type 3D; N-acetylglucosamine-6-sulfate sulfatase deficiency; MPS 3D. Identifiers: Orphanet 581, Orphanet 79272, MedGen C0086650, MONDO:0009658, OMIM 252940.

Allele frequency attached by ClinVar (database versions not stated): TOPMed below 0.00001.
gnomAD v4.1: 4 of 1,537,922 alleles (0.00026%); no homozygotes.

Submission:

Labcorp Genetics (formerly Invitae), Labcorp
Classification: Uncertain significance for Mucopolysaccharidosis, MPS-III-D. Last evaluated: 2022-08-05. Review status: criteria provided, single submitter. Criteria: Invitae Variant Classification Sherloc (09022015). Collection method: clinical testing. Allele origin: germline.
Comment: This sequence change replaces glutamic acid, which is acidic and polar, with glycine, which is neutral and non-polar, at codon 76 of the GNS protein (p.Glu76Gly). This variant is not present in population databases (gnomAD no frequency). This variant has not been reported in the literature in individuals affected with GNS-related conditions. Algorithms developed to predict the effect of missense changes on protein structure and function output the following: SIFT: "Tolerated"; PolyPhen-2: "Benign"; Align-GVGD: "Class C0". The glycine amino acid residue is found in multiple mammalian species, which suggests that this missense change does not adversely affect protein function. In summary, the available evidence is currently insufficient to determine the role of this variant in disease. Therefore, it has been classified as a Variant of Uncertain Significance.

NM_002076.4(GNS):c.227A>G (p.Glu76Gly)

Gene: GNS (glucosamine (N-acetyl)-6-sulfatase; minus strand). Cytogenetic location: 12q14.3.
Variant type: single nucleotide variant.
Coding change: c.227A>G on transcript NM_002076.4 (MANE Select); coding-DNA position 227, A replaced by G.
Protein change: p.Glu76Gly; replaces glutamic acid 76 with glycine.
Molecular consequence: missense variant.
Genome position (GRCh38, 1-based): chr12:64,752,723, T>C on the plus strand (A>G on the coding strand, the complement: GNS is on the minus strand). VCF-style: chr12-64752723-T-C. GRCh37 (hg19) VCF-style: chr12-65146503-T-C.
Other names: short protein forms E76G.
Identifiers: ClinVar variation 2054926 (VCV002054926.1), dbSNP rs1870117172, ClinGen allele CA385611440.
Genomic context (GRCh38, chr12:64,752,723, plus strand): 5'-TAAATTAACAAAATTGAATTAACTTTCAAACTTACAGCACTGGAAAAAGTCATCCCCATC[T>C]CTCCGATGAGAGCTTTGGTTTTCTTTAGCGGTGTCTGTAAAAGTAAGTAATTATCCATTA-3'
Protein context (NP_002067.1, residues 66-86): PLKKTKALIG[Glu76Gly]MGMTFSSAYV